The following is an entry in ClinVar:

NM_005120.3(MED12):c.5695C>T (p.Arg1899Trp)

Gene: MED12 (mediator complex subunit 12; plus strand). Cytogenetic location: Xq13.1.
Variant type: single nucleotide variant.
Coding change: c.5695C>T on transcript NM_005120.3 (MANE Select); coding-DNA position 5695, C replaced by T.
Protein change: p.Arg1899Trp; replaces arginine 1899 with tryptophan.
Molecular consequence: missense variant.
Genome position (GRCh38, 1-based): chrX:71,137,330, C>T. VCF-style: chrX-71137330-C-T. GRCh37 (hg19) VCF-style: chrX-70357180-C-T.
Other names: c.5695C>T (NM_005120.2); short protein forms R1899W.
Identifiers: ClinVar variation 3666287 (VCV003666287.4).

ClinVar aggregate classification (germline): Uncertain significance. Review status: criteria provided, multiple submitters, no conflicts (2 of 4 stars). 2 submissions from 2 submitters: Uncertain significance (2). Last evaluated 2026-06-18.

Conditions:
Familial thoracic aortic aneurysm and aortic dissection (TAAD). Also called: Thoracic aortic aneurysms and dissections. Identifiers: Orphanet 91387, MedGen C4707243, MONDO:0019625.
FG syndrome (FGS). Identifiers: MedGen C0220769, MONDO:0002010.

Submissions (2):

Ambry Genetics
Classification: Uncertain significance for Familial thoracic aortic aneurysm and aortic dissection. Last evaluated: 2026-06-18. Review status: criteria provided, single submitter. Criteria: Ambry Variant Classification Scheme 2023. Collection method: clinical testing. Allele origin: germline.
Comment: The p.R1899W variant (also known as c.5695C>T), located in coding exon 39 of the MED12 gene, results from a C to T substitution at nucleotide position 5695. The arginine at codon 1899 is replaced by tryptophan, an amino acid with dissimilar properties. This amino acid position is conserved. In addition, this alteration is predicted to be tolerated by in silico analysis. Based on the available evidence, the clinical significance of this variant remains unclear.

Labcorp Genetics (formerly Invitae), Labcorp
Classification: Uncertain significance for FG syndrome. Last evaluated: 2024-10-31. Review status: criteria provided, single submitter. Criteria: Invitae Variant Classification Sherloc (09022015). Collection method: clinical testing. Allele origin: germline.
Comment: This sequence change replaces arginine, which is basic and polar, with tryptophan, which is neutral and slightly polar, at codon 1899 of the MED12 protein (p.Arg1899Trp). This variant is not present in population databases (gnomAD no frequency). This variant has not been reported in the literature in individuals affected with MED12-related conditions. Invitae Evidence Modeling of protein sequence and biophysical properties (such as structural, functional, and spatial information, amino acid conservation, physicochemical variation, residue mobility, and thermodynamic stability) indicates that this missense variant is not expected to disrupt MED12 protein function with a negative predictive value of 95%. In summary, the available evidence is currently insufficient to determine the role of this variant in disease. Therefore, it has been classified as a Variant of Uncertain Significance.